The following is an entry in ClinVar:

ClinVar aggregate classification (germline): Uncertain significance (1 of 4 stars; one submission).

Conditions:
Hereditary cancer-predisposing syndrome. Also called: Neoplastic Syndromes, Hereditary; Tumor predisposition; Hereditary neoplastic syndrome; Hereditary Cancer Syndrome. Identifiers: Orphanet 140162, MedGen C0027672, MeSH D009386, MONDO:0015356.

Submission:

Ambry Genetics
Classification: Uncertain significance for Hereditary cancer-predisposing syndrome. Last evaluated: 2026-08-20. Review status: criteria provided, single submitter. Criteria: Ambry Variant Classification Scheme 2023. Collection method: clinical testing. Allele origin: germline.
Comment: The p.T631S variant (also known as c.1891A>T), located in coding exon 14 of the PTCH1 gene, results from an A to T substitution at nucleotide position 1891. The threonine at codon 631 is replaced by serine, an amino acid with similar properties. This amino acid position is conserved. In addition, this alteration is predicted to be tolerated by in silico analysis. Based on the available evidence, the clinical significance of this variant remains unclear.

NM_000264.5(PTCH1):c.1891A>T (p.Thr631Ser)

Genes: PTCH1 (patched 1; minus strand), LOC100507346 (uncharacterized LOC100507346; plus strand). Cytogenetic location: 9q22.32.
Variant type: single nucleotide variant.
Coding change: c.1891A>T on transcript NM_000264.5 (MANE Select); coding-DNA position 1891, A replaced by T.
Protein change: p.Thr631Ser; replaces threonine 631 with serine.
Molecular consequence: missense variant. On other transcripts: non-coding transcript variant (2).
Genome position (GRCh38, 1-based): chr9:95,469,110, T>A on the plus strand (A>T on the coding strand, the complement: PTCH1 is on the minus strand). VCF-style: chr9-95469110-T-A. GRCh37 (hg19) VCF-style: chr9-98231392-T-A.
Other names: c.1693A>T, p.Thr565Ser (NM_001083602.3); c.1888A>T, p.Thr630Ser (NM_001083603.3); c.1438A>T, p.Thr480Ser (NM_001083604.3, NM_001083605.3, NM_001083606.3 and 1 more transcripts); c.1735A>T, p.Thr579Ser (NM_001354918.2); short protein forms T579S, T630S, T631S, T480S, T565S.
Identifiers: ClinVar variation 5027546 (VCV005027546.1).